The following is an entry in ClinVar:

ClinVar aggregate classification (germline): Benign/Likely benign. Review status: criteria provided, multiple submitters, no conflicts (2 of 4 stars). 9 submissions from 8 submitters: Benign (8); Likely benign (1). Last evaluated 2026-02-02.

Conditions:
Cardiovascular phenotype. Identifiers: MedGen CN230736.
Hypoalphalipoproteinemia, primary, 1. Identifiers: Orphanet 425, MedGen C5231558, MONDO:0011393, OMIM 604091.
ABCA1-related disorder. Also called: ABCA1-related condition; ABCA1-related disorders. Identifiers: MedGen CN239173.
Tangier disease (TGD). Also called: HIGH DENSITY LIPOPROTEIN DEFICIENCY, TANGIER TYPE; HIGH DENSITY LIPOPROTEIN DEFICIENCY, TYPE 1; Cholesterol thesaurismosis. Identifiers: Orphanet 31150, MedGen C0039292, MONDO:0008783, OMIM 205400.

Allele frequency attached by ClinVar (database versions not stated): gnomAD exomes 0.00037 and 0.00095; ExAC 0.00115; 1000 Genomes Project 0.00319; 1000 Genomes Project 30x 0.00359; ESP Exome Variant Server 0.00408; TOPMed 0.00460.
gnomAD v4.1: 1,174 of 1,614,132 alleles (0.073%); highest among the groups gnomAD compares: African/African-American, 1.4%; 17 homozygotes.

Submissions (9):

Labcorp Genetics (formerly Invitae), Labcorp
Classification: Benign. Last evaluated: 2026-02-02. Review status: criteria provided, single submitter. Criteria: Invitae Variant Classification Sherloc (09022015). Collection method: clinical testing. Allele origin: germline.

CeGaT Center for Human Genetics Tuebingen
Classification: Benign. Last evaluated: 2025-04-01. Review status: criteria provided, single submitter. Criteria: CeGaT Center For Human Genetics Tuebingen Variant Classification Criteria Version 2. Collection method: clinical testing. Allele origin: germline. Affected: yes. Observed: 2 variant alleles.
Comment: ABCA1: BP4, BP7, BS1, BS2

PreventionGenetics, part of Exact Sciences
Classification: Benign for ABCA1-related condition. Last evaluated: 2024-10-16. Review status: criteria provided, single submitter. Criteria: ACMG Guidelines, 2015. Collection method: clinical testing. Allele origin: germline.
Comment: This variant is classified as benign based on ACMG/AMP sequence variant interpretation guidelines (Richards et al. 2015 PMID: 25741868, with internal and published modifications).

Women's Health and Genetics/Laboratory Corporation of America, LabCorp
Classification: Likely benign. Last evaluated: 2023-08-01. Review status: criteria provided, single submitter. Criteria: LabCorp Variant Classification Summary - May 2015. Collection method: clinical testing. Allele origin: germline.

Mayo Clinic Laboratories, Mayo Clinic
Classification: Benign. Last evaluated: 2021-06-25. Review status: criteria provided, single submitter. Criteria: ACMG Guidelines, 2015. Collection method: clinical testing. Allele origin: germline. Observed: 3 variant alleles.

Ambry Genetics
Classification: Benign for Cardiovascular phenotype. Last evaluated: 2021-05-21. Review status: criteria provided, single submitter. Criteria: Ambry Variant Classification Scheme 2023. Collection method: clinical testing. Allele origin: germline.

Illumina Laboratory Services, Illumina
Classification: Benign for Tangier disease. Last evaluated: 2018-01-13. Review status: criteria provided, single submitter. Criteria: ICSL Variant Classification Criteria 13 December 2019. Collection method: clinical testing. Allele origin: germline.
Comment: This variant was observed in the ICSL laboratory as part of a predisposition screen in an ostensibly healthy population. It had not been previously curated by ICSL or reported in the Human Gene Mutation Database (HGMD: prior to June 1st, 2018), and was therefore a candidate for classification through an automated scoring system. Utilizing variant allele frequency, disease prevalence and penetrance estimates, and inheritance mode, an automated score was calculated to assess if this variant is too frequent to cause the disease. Based on the score and internal cut-off values, a variant classified as benign is not then subjected to further curation. The score for this variant resulted in a classification of benign for this disease.

Illumina Laboratory Services, Illumina
Classification: Benign for Hypoalphalipoproteinemia, primary, 1. Last evaluated: 2018-01-13. Review status: criteria provided, single submitter. Criteria: ICSL Variant Classification Criteria 13 December 2019. Collection method: clinical testing. Allele origin: germline.
Comment: the same text as in the submission from Illumina Laboratory Services, Illumina above.

Breakthrough Genomics
Classification: Benign. Review status: criteria provided, single submitter. Criteria: ACMG Guidelines, 2015. Collection method: not provided. Allele origin: germline. Inheritance: Autosomal recessive inheritance. Affected: yes.

NM_005502.4(ABCA1):c.1977C>T (p.Ile659=)

Gene: ABCA1 (ATP binding cassette subfamily A member 1; minus strand). Cytogenetic location: 9q31.1.
Variant type: single nucleotide variant.
Coding change: c.1977C>T on transcript NM_005502.4 (MANE Select); coding-DNA position 1977, C replaced by T.
Protein change: p.Ile659=; no amino-acid change (isoleucine 659 retained).
Molecular consequence: synonymous variant.
Genome position (GRCh38, 1-based): chr9:104,829,054, G>A on the plus strand (C>T on the coding strand, the complement: ABCA1 is on the minus strand). VCF-style: chr9-104829054-G-A. GRCh37 (hg19) VCF-style: chr9-107591335-G-A.
Other names: p.Ile659=.
Identifiers: ClinVar variation 364440 (VCV000364440.44), dbSNP rs34083760, ClinGen allele CA5168851.